The following is an entry in ClinVar:

ClinVar aggregate classification (germline): Benign/Likely benign. Review status: criteria provided, multiple submitters, no conflicts (2 of 4 stars). 6 submissions from 6 submitters: Benign (4); Likely benign (2). Last evaluated 2026-01-28.

Conditions:
Infantile neuroaxonal dystrophy (NBIA2A). Also called: Infantile neuroaxonal dystrophy 1; SEITELBERGER DISEASE; NEURODEGENERATION WITH BRAIN IRON ACCUMULATION 2A. Identifiers: Orphanet 35069, MedGen C0270724, MONDO:0024457, OMIM 256600.

Allele frequency attached by ClinVar (database versions not stated): gnomAD exomes 0.00031 and 0.00088; ExAC 0.00113; gnomAD 0.00348 and 0.00379; 1000 Genomes Project 0.00359; TOPMed 0.00374; 1000 Genomes Project 30x 0.00375; ESP Exome Variant Server 0.00446.
gnomAD v4.1: 991 of 1,614,052 alleles (0.061%); highest among the groups gnomAD compares: African/African-American, 1.2%; 6 homozygotes.

Submissions (6):

Labcorp Genetics (formerly Invitae), Labcorp
Classification: Benign for Infantile neuroaxonal dystrophy. Last evaluated: 2026-01-28. Review status: criteria provided, single submitter. Criteria: Invitae Variant Classification Sherloc (09022015). Collection method: clinical testing. Allele origin: germline.

CeGaT Center for Human Genetics Tuebingen
Classification: Likely benign. Last evaluated: 2026-01-01. Review status: criteria provided, single submitter. Criteria: CeGaT Center For Human Genetics Tuebingen Variant Classification Criteria Version 2. Collection method: clinical testing. Allele origin: germline. Affected: yes. Observed: 3 variant alleles.
Comment: PLA2G6: BP4, BS1

Blueprint Genetics
Classification: Likely benign. Last evaluated: 2024-11-25. Review status: criteria provided, single submitter. Criteria: ACMG Guidelines, 2015. Collection method: clinical testing. Allele origin: germline.

Mayo Clinic Laboratories, Mayo Clinic
Classification: Benign. Last evaluated: 2023-06-05. Review status: criteria provided, single submitter. Criteria: ACMG Guidelines, 2015. Collection method: clinical testing. Allele origin: germline. Observed: 4 variant alleles.
Comment: BS1, BS2, BP4

GeneDx
Classification: Benign. Last evaluated: 2020-05-20. Review status: criteria provided, single submitter. Criteria: GeneDx Variant Classification Process June 2021. Collection method: clinical testing. Allele origin: germline. Affected: yes.
Comment: This variant is associated with the following publications: (PMID: 21255775)

Breakthrough Genomics
Classification: Benign. Review status: criteria provided, single submitter. Criteria: ACMG Guidelines, 2015. Collection method: not provided. Allele origin: germline. Inheritance: Autosomal recessive inheritance. Affected: yes.

NM_003560.4(PLA2G6):c.187A>G (p.Arg63Gly)

Gene: PLA2G6 (phospholipase A2 group VI; minus strand). Cytogenetic location: 22q13.1.
Variant type: single nucleotide variant.
Coding change: c.187A>G on transcript NM_003560.4 (MANE Select); coding-DNA position 187, A replaced by G.
Protein change: p.Arg63Gly; replaces arginine 63 with glycine.
Molecular consequence: missense variant. On other transcripts: 5 prime UTR variant (3).
Genome position (GRCh38, 1-based): chr22:38,169,240, T>C on the plus strand (A>G on the coding strand, the complement: PLA2G6 is on the minus strand). VCF-style: chr22-38169240-T-C. GRCh37 (hg19) VCF-style: chr22-38565247-T-C.
Other names: p.Arg63Gly; c.187A>G, p.Arg63Gly (NM_001004426.3, NM_001199562.3, NM_001349864.2 and 2 more transcripts); c.-479A>G (NM_001349867.2, NM_001349869.2); c.-304A>G (NM_001349868.2); short protein forms R63G.
Identifiers: ClinVar variation 702037 (VCV000702037.38), dbSNP rs11570606, ClinGen allele CA10231353.